The following is an entry in ClinVar:

ClinVar aggregate classification (germline): Likely pathogenic (1 of 4 stars; one submission).

Conditions:
Autosomal dominant intellectual disability-craniofacial anomalies-cardiac defects syndrome (ARTHS). Also called: KAT6A syndrome; Mental retardation, autosomal dominant 32; Arboleda-Tham syndrome. Identifiers: Orphanet 457193, MedGen C4225396, MONDO:0014558, OMIM 616268.

Submission:

Laboratorio de Genetica e Diagnostico Molecular, Hospital Israelita Albert Einstein
Classification: Likely pathogenic for Autosomal dominant intellectual disability-craniofacial anomalies-cardiac defects syndrome. Last evaluated: 2025-01-10. Review status: criteria provided, single submitter. Criteria: ACMG Guidelines, 2015. Collection method: clinical testing. Allele origin: germline. Affected: yes.
Comment: ACMG classification criteria: PVS1 very strong, PM2 supporting

NM_006766.5(KAT6A):c.1019dup (p.Asn340fs)

Gene: KAT6A (lysine acetyltransferase 6A; minus strand). Cytogenetic location: 8p11.21.
Variant type: Duplication.
Coding change: c.1019dup on transcript NM_006766.5 (MANE Select); coding-DNA position 1019, one base duplicated (A; older notation c.1019dupA).
Protein change: p.Asn340fs; shifts the reading frame from asparagine 340.
Molecular consequence: frameshift variant.
Genome position (GRCh38, 1-based): chr8:41,978,666, T duplicated on the plus strand (A on the coding strand, the reverse complement: KAT6A is on the minus strand); the first of 6 consecutive T bases (chr8:41,978,666-41,978,671); duplicating any one gives the same sequence. VCF-style (leftmost placement, unchanged base first): chr8-41978665-G-GT. GRCh37 (hg19) VCF-style: chr8-41836183-G-GT.
Other names: c.1019dup, p.Asn340fs (NM_001305878.2); short protein forms N340fs.
Identifiers: ClinVar variation 4056515 (VCV004056515.1).